The following is an entry in ClinVar:

ClinVar aggregate classification (germline): Uncertain significance (1 of 4 stars; one submission).

Submission:

Labcorp Genetics (formerly Invitae), Labcorp
Classification: Uncertain significance. Last evaluated: 2021-11-19. Review status: criteria provided, single submitter. Criteria: Invitae Variant Classification Sherloc (09022015). Collection method: clinical testing. Allele origin: germline.
Comment: This variant is not present in population databases (gnomAD no frequency). This sequence change replaces lysine, which is basic and polar, with glutamic acid, which is acidic and polar, at codon 1152 of the LTBP2 protein (p.Lys1152Glu). This variant has not been reported in the literature in individuals affected with LTBP2-related conditions. Algorithms developed to predict the effect of missense changes on protein structure and function (SIFT, PolyPhen-2, Align-GVGD) all suggest that this variant is likely to be disruptive. In summary, the available evidence is currently insufficient to determine the role of this variant in disease. Therefore, it has been classified as a Variant of Uncertain Significance.

NM_000428.3(LTBP2):c.3454A>G (p.Lys1152Glu)

Gene: LTBP2 (latent transforming growth factor beta binding protein 2; minus strand). Cytogenetic location: 14q24.3.
Variant type: single nucleotide variant.
Coding change: c.3454A>G on transcript NM_000428.3 (MANE Select); coding-DNA position 3454, A replaced by G.
Protein change: p.Lys1152Glu; replaces lysine 1152 with glutamic acid.
Molecular consequence: missense variant.
Genome position (GRCh38, 1-based): chr14:74,508,902, T>C on the plus strand (A>G on the coding strand, the complement: LTBP2 is on the minus strand). VCF-style: chr14-74508902-T-C. GRCh37 (hg19) VCF-style: chr14-74975605-T-C.
Other names: short protein forms K1152E.
Identifiers: ClinVar variation 1350556 (VCV001350556.6), dbSNP rs2139695273, ClinGen allele CA390388719.